The following is an entry in ClinVar:

NM_020831.6(MRTFA):c.359C>T (p.Ala120Val)

Gene: MRTFA (myocardin related transcription factor A; minus strand). Cytogenetic location: 22q13.1.
Variant type: single nucleotide variant.
Coding change: c.359C>T on transcript NM_020831.6 (MANE Select); coding-DNA position 359, C replaced by T.
Protein change: p.Ala120Val; replaces alanine 120 with valine.
Molecular consequence: missense variant.
Genome position (GRCh38, 1-based): chr22:40,435,503, G>A on the plus strand (C>T on the coding strand, the complement: MRTFA is on the minus strand). VCF-style: chr22-40435503-G-A. GRCh37 (hg19) VCF-style: chr22-40831507-G-A.
Other names: c.59C>T, p.Ala20Val (NM_001282660.2); c.359C>T, p.Ala120Val (NM_001282661.3, NM_001282662.3); c.164C>T, p.Ala55Val (NM_001318139.2); short protein forms A55V, A120V, A20V.
Identifiers: ClinVar variation 2777493 (VCV002777493.3), dbSNP rs2517859451, ClinGen allele CA411670251.
Genomic context (GRCh38, chr22:40,435,503, plus strand): 5'-CAATGAGCTCTGAAAATGCTCTTTGGGAGTTCTGAGGGGGAAAAAAGGTACCTTACCCTG[G>A]CCCGCTCCAAGCTCCTTCTCTGCTCATGAAATGCGGCTGGACTTTTCAAAGCTGTTGAGA-3'
Protein context (NP_065882.2, residues 110-130): FHEQRRSLER[Ala120Val]RTEDYLKRKI

ClinVar aggregate classification (germline): Uncertain significance (1 of 4 stars; one submission).

Submission:

Labcorp Genetics (formerly Invitae), Labcorp
Classification: Uncertain significance. Last evaluated: 2023-10-05. Review status: criteria provided, single submitter. Criteria: Invitae Variant Classification Sherloc (09022015). Collection method: clinical testing. Allele origin: germline.
Comment: This sequence change replaces alanine, which is neutral and non-polar, with valine, which is neutral and non-polar, at codon 20 of the MKL1 protein (p.Ala20Val). This variant is not present in population databases (gnomAD no frequency). This variant has not been reported in the literature in individuals affected with MKL1-related conditions. An algorithm developed to predict the effect of missense changes on protein structure and function (PolyPhen-2) suggests that this variant is likely to be disruptive. In summary, the available evidence is currently insufficient to determine the role of this variant in disease. Therefore, it has been classified as a Variant of Uncertain Significance.